The following is an entry in ClinVar:

NM_003060.4(SLC22A5):c.*1340A>T

Gene: SLC22A5 (solute carrier family 22 member 5; plus strand). Cytogenetic location: 5q31.1.
Variant type: single nucleotide variant.
Coding change: c.*1340A>T on transcript NM_003060.4 (MANE Select); 1340 bases downstream of the stop codon, A replaced by T.
Molecular consequence: 3 prime UTR variant.
Genome position (GRCh38, 1-based): chr5:132,395,612, A>T. VCF-style: chr5-132395612-A-T. GRCh37 (hg19) VCF-style: chr5-131731304-A-T.
Other names: c.*1340A>T (NM_001308122.2).
Identifiers: ClinVar variation 907610 (VCV000907610.4), dbSNP rs274547, ClinGen allele CA15365117.
Genomic context (GRCh38, chr5:132,395,612, plus strand): 5'-AGCTACTGAAGTGCCTTGGGAAATGAGAAAGTTTTAATAAGTAAAATGATTTTTTAAATA[A>T]CAGCAACTGCCTAGAATCTTTATTTCTAGAATTTAGTGAGCCTGTGCCACACTGTCATCT-3'

ClinVar aggregate classification (germline): Benign (1 of 4 stars; one submission).

Conditions:
Renal carnitine transport defect (CDSP). Also called: Carnitine transporter deficiency; Carnitine Deficiency, Systemic; Primary carnitine deficiency; Systemic primary carnitine deficiency; CARNITINE DEFICIENCY, SYSTEMIC, DUE TO DEFECT IN RENAL REABSORPTION OF CARNITINE; CARNITINE TRANSPORTER, PLASMA-MEMBRANE, DEFICIENCY OF. Identifiers: Orphanet 158, MedGen C0342788, MONDO:0008919, OMIM 212140.

Allele frequency attached by ClinVar (database versions not stated): 1000 Genomes Project 30x 0.73641; TOPMed 0.73827; gnomAD 0.74351 and 0.75072; 1000 Genomes Project 0.74421; gnomAD exomes 0.83688.
gnomAD v4.1: 114,909 of 152,778 alleles (75%); highest among the groups gnomAD compares: East Asian, 91%; 45,005 homozygotes.

Submission:

Illumina Laboratory Services, Illumina
Classification: Benign for Renal carnitine transport defect. Last evaluated: 2018-01-12. Review status: criteria provided, single submitter. Criteria: ICSL Variant Classification Criteria 13 December 2019. Collection method: clinical testing. Allele origin: germline.
Comment: This variant was observed in the ICSL laboratory as part of a predisposition screen in an ostensibly healthy population. It had not been previously curated by ICSL or reported in the Human Gene Mutation Database (HGMD: prior to June 1st, 2018), and was therefore a candidate for classification through an automated scoring system. Utilizing variant allele frequency, disease prevalence and penetrance estimates, and inheritance mode, an automated score was calculated to assess if this variant is too frequent to cause the disease. Based on the score and internal cut-off values, a variant classified as benign is not then subjected to further curation. The score for this variant resulted in a classification of benign for this disease.